The following is an entry in ClinVar:

NM_000062.2(SERPING1):c.-168G>A

Gene: SERPING1 (serpin family G member 1; plus strand). Cytogenetic location: 11q12.1.
Variant type: single nucleotide variant.
Coding change: c.-168G>A on transcript NM_000062.2; 168 bases upstream of the start codon, G replaced by A.
Genome position (GRCh38, 1-based): chr11:57,597,577, G>A. VCF-style: chr11-57597577-G-A. GRCh37 (hg19) VCF-style: chr11-57365050-G-A.
Identifiers: ClinVar variation 3357227 (VCV003357227.1).

ClinVar aggregate classification (germline): Likely benign (0 of 4 stars; one submission).

Conditions:
SERPING1-related disorder. Also called: SERPING1-related condition.

Submission:

PreventionGenetics, part of Exact Sciences
Classification: Likely benign for SERPING1-related condition. Last evaluated: 2024-06-03. Review status: no assertion criteria provided. Collection method: clinical testing. Allele origin: germline.
Comment: This variant is classified as likely benign based on ACMG/AMP sequence variant interpretation guidelines (Richards et al. 2015 PMID: 25741868, with internal and published modifications).